The following is an entry in ClinVar:

NM_001286577.2(C2CD3):c.6206T>A (p.Ile2069Asn)

Gene: C2CD3 (C2 domain containing 3 centriole elongation regulator; minus strand). Cytogenetic location: 11q13.4.
Variant type: single nucleotide variant.
Coding change: c.6206T>A on transcript NM_001286577.2 (MANE Select); coding-DNA position 6206, T replaced by A.
Protein change: p.Ile2069Asn; replaces isoleucine 2069 with asparagine.
Molecular consequence: missense variant.
Genome position (GRCh38, 1-based): chr11:74,033,954, A>T on the plus strand (T>A on the coding strand, the complement: C2CD3 is on the minus strand). VCF-style: chr11-74033954-A-T. GRCh37 (hg19) VCF-style: chr11-73744999-A-T.
Other names: short protein forms I2069N.
Identifiers: ClinVar variation 2091229 (VCV002091229.4), dbSNP rs1396704756, ClinGen allele CA381821472.

ClinVar aggregate classification (germline): Uncertain significance (1 of 4 stars; one submission).

Submission:

Labcorp Genetics (formerly Invitae), Labcorp
Classification: Uncertain significance. Last evaluated: 2022-02-09. Review status: criteria provided, single submitter. Criteria: Invitae Variant Classification Sherloc (09022015). Collection method: clinical testing. Allele origin: germline.
Comment: This variant is not present in population databases (gnomAD no frequency). The C2CD3 gene has multiple clinically relevant transcripts. This variant occurs in alternate transcript NM_001286577.1, and corresponds to NM_015531.5:c.*644T>A in the primary transcript. This sequence change replaces isoleucine, which is neutral and non-polar, with asparagine, which is neutral and polar, at codon 2069 of the C2CD3 protein (p.Ile2069Asn). This variant has not been reported in the literature in individuals affected with C2CD3-related conditions. Experimental studies and prediction algorithms are not available or were not evaluated, and the functional significance of this variant is currently unknown. In summary, the available evidence is currently insufficient to determine the role of this variant in disease. Therefore, it has been classified as a Variant of Uncertain Significance.